The following is an entry in ClinVar:

ClinVar aggregate classification (germline): Likely pathogenic (1 of 4 stars; one submission).

Submission:

Labcorp Genetics (formerly Invitae), Labcorp
Classification: Likely pathogenic. Last evaluated: 2023-07-13. Review status: criteria provided, single submitter. Criteria: Invitae Variant Classification Sherloc (09022015). Collection method: clinical testing. Allele origin: germline.
Comment: In summary, the currently available evidence indicates that the variant is pathogenic, but additional data are needed to prove that conclusively. Therefore, this variant has been classified as Likely Pathogenic. Algorithms developed to predict the effect of sequence changes on RNA splicing suggest that this variant may disrupt the consensus splice site. This sequence change affects a donor splice site in intron 36 of the C5 gene. It is expected to disrupt RNA splicing. Variants that disrupt the donor or acceptor splice site typically lead to a loss of protein function (PMID: 16199547), and loss-of-function variants in C5 are known to be pathogenic (PMID: 7730648, 19414197, 27026170). This variant is not present in population databases (gnomAD no frequency). This variant has not been reported in the literature in individuals affected with C5-related conditions.

Literature cited by the submitters: PubMed 16199547; PubMed 7730648; PubMed 19414197; PubMed 27026170.

NM_001735.3(C5):c.4504+2T>A

Gene: C5 (complement C5; minus strand). Cytogenetic location: 9q33.2.
Variant type: single nucleotide variant.
Coding change: c.4504+2T>A on transcript NM_001735.3 (MANE Select); the canonical splice donor site of the intron after coding-DNA position 4504, T replaced by A.
Molecular consequence: splice donor variant.
Genome position (GRCh38, 1-based): chr9:120,962,669, A>T on the plus strand (T>A on the coding strand, the complement: C5 is on the minus strand). VCF-style: chr9-120962669-A-T. GRCh37 (hg19) VCF-style: chr9-123724947-A-T.
Other names: c.4522+2T>A (NM_001317163.2).
Identifiers: ClinVar variation 2743117 (VCV002743117.3), dbSNP rs1564131885, ClinGen allele CA374745897.